The following is an entry in ClinVar:

ClinVar aggregate classification (germline): Likely benign (0 of 4 stars; one submission).

Conditions:
SCN8A-related disorder.

Allele frequency attached by ClinVar (database versions not stated): gnomAD exomes below 0.00001; ExAC 0.00001; gnomAD 0.00001; TOPMed 0.00001.
gnomAD v4.1: 4 of 1,613,824 alleles (0.00025%); highest among the groups gnomAD compares: African/African-American, 0.004%; no homozygotes.

Submission:

PreventionGenetics, part of Exact Sciences
Classification: Likely benign for SCN8A-related condition. Last evaluated: 2024-01-04. Review status: no assertion criteria provided. Collection method: clinical testing. Allele origin: germline.
Comment: This variant is classified as likely benign based on ACMG/AMP sequence variant interpretation guidelines (Richards et al. 2015 PMID: 25741868, with internal and published modifications).

NM_001330260.2(SCN8A):c.5745C>T (p.Phe1915=)

Gene: SCN8A (sodium voltage-gated channel alpha subunit 8; plus strand). Cytogenetic location: 12q13.13.
Variant type: single nucleotide variant.
Coding change: c.5745C>T on transcript NM_001330260.2 (MANE Select); coding-DNA position 5745, C replaced by T.
Protein change: p.Phe1915=; no amino-acid change (phenylalanine 1915 retained).
Molecular consequence: synonymous variant.
Genome position (GRCh38, 1-based): chr12:51,807,231, C>T. VCF-style: chr12-51807231-C-T. GRCh37 (hg19) VCF-style: chr12-52201015-C-T.
Other names: c.5622C>T, p.Phe1874= (NM_001177984.3, NM_001369788.1); c.5745C>T, p.Phe1915= (NM_014191.4).
Identifiers: ClinVar variation 3044513 (VCV003044513.2), dbSNP rs751690796, ClinGen allele CA6571948.